The following is an entry in ClinVar:

ClinVar aggregate classification (germline): Uncertain significance. Review status: criteria provided, multiple submitters, no conflicts (2 of 4 stars). 3 submissions from 3 submitters: Uncertain significance (3). Last evaluated 2025-03-31.

Conditions:
Polyglucosan body myopathy type 1 (PGBM1). Also called: POLYGLUCOSAN BODY MYOPATHY WITHOUT IMMUNODEFICIENCY; Polyglucosan body myopathy 1 with or without immunodeficiency. Identifiers: Orphanet 329173, Orphanet 397937, MedGen C4014605, MONDO:0014389, OMIM 615895.

Allele frequency attached by ClinVar (database versions not stated): gnomAD exomes 0.00011 and 0.00023; TOPMed 0.00018; ExAC 0.00017; gnomAD 0.00017 and 0.00018; ESP Exome Variant Server 0.00046.
gnomAD v4.1: 358 of 1,612,376 alleles (0.022%); highest among the groups gnomAD compares: Non-Finnish European, 0.026%; 1 homozygote.

Submissions (3):

ARUP Laboratories, Molecular Genetics and Genomics, ARUP Laboratories
Classification: Uncertain significance for Polyglucosan body myopathy type 1. Last evaluated: 2025-03-31. Review status: criteria provided, single submitter. Criteria: ARUP Molecular Germline Variant Investigation Process 2024. Collection method: clinical testing. Allele origin: germline.
Comment: The RBCK1 c.11C>A; p.Ala4Asp variant (rs140276089), also known as c.-9C>A in transcript NM_031229.4, to our knowledge, is not reported in the medical literature but is reported in ClinVar (Variation ID: 451494). This variant is found in the general population with an overall allele frequency of 0.01% (31/276,808 alleles) in the Genome Aggregation Database (v2.1.1). Computational analyses predict that this variant is neutral (REVEL: 0.057). Due to limited information, the clinical significance of this variant is uncertain at this time.

Fulgent Genetics
Classification: Uncertain significance for Polyglucosan body myopathy type 1. Last evaluated: 2021-09-10. Review status: criteria provided, single submitter. Criteria: ACMG Guidelines, 2015. Collection method: clinical testing. Allele origin: unknown.

GeneDx
Classification: Uncertain significance. Last evaluated: 2017-08-18. Review status: criteria provided, single submitter. Criteria: GeneDx Variant Classification (06012015). Collection method: clinical testing. Allele origin: germline. Affected: yes.
Comment: The A4D variant in the RBCK1 gene has not been reported previously as a pathogenic variant, nor as a benign variant, to our knowledge. The A4D variant is observed in 15/57972 (0.02%) alleles from individuals of non-Finnish European background, in large population cohorts The A4D variant is a non-conservative amino acid substitution, which is likely to impact secondary protein structure as these residues differ in polarity, charge, size and/or other properties. This substitution occurs at a position that is not conserved. In silico analysis predicts this variant is probably damaging to the protein structure/function. We interpret A4D as a variant of uncertain significance.

NM_031229.4(RBCK1):c.-9C>A

Gene: RBCK1 (RANBP2-type and C3HC4-type zinc finger containing 1; plus strand). Cytogenetic location: 20p13.
Variant type: single nucleotide variant.
Coding change: c.-9C>A on transcript NM_031229.4 (MANE Select); 9 bases upstream of the start codon, C replaced by A.
Molecular consequence: 5 prime UTR variant. On other transcripts: missense variant (1), non-coding transcript variant (1).
Genome position (GRCh38, 1-based): chr20:408,749, C>A. VCF-style: chr20-408749-C-A. GRCh37 (hg19) VCF-style: chr20-389393-C-A.
Other names: c.-358C>A (NM_001323956.2); c.-213C>A (NM_001323958.2); c.-9C>A (NM_001323960.2); c.11C>A, p.Ala4Asp (NM_006462.6); short protein forms A4D.
Identifiers: ClinVar variation 451494 (VCV000451494.4), dbSNP rs140276089, ClinGen allele CA9722839.